The following is an entry in ClinVar:

ClinVar aggregate classification (germline): Likely pathogenic (1 of 4 stars; one submission).

Conditions:
Lafora disease. Also called: Epilepsy progressive myoclonic 2. Identifiers: Orphanet 501, MedGen C0751783, MONDO:0009697.

gnomAD v4.1: 2 of 1,537,606 alleles (0.00013%); highest among the groups gnomAD compares: Non-Finnish European, 0.00018%; no homozygotes.

Submission:

Broad Center for Mendelian Genomics, Broad Institute of MIT and Harvard
Classification: Likely pathogenic for Lafora disease. Last evaluated: 2025-01-07. Review status: criteria provided, single submitter. Criteria: ACMG Guidelines, 2015. Collection method: curation. Allele origin: germline. Inheritance: Autosomal recessive inheritance.
Comment: The p.Arg91Pro variant in EPM2A has been reported in 2 individuals with Lafora disease (PMID: 15009235, 14722920, 16529633), and has been identified in 0.0002% (2/1073170) of European (non-Finnish) chromosomes by the Genome Aggregation Database (gnomAD). Although this variant has been seen in the general population in a heterozygous state, its frequency is low enough to be consistent with a recessive carrier frequency. Of the 2 affected individuals, 1 was a homozygote, which increases the likelihood that the p.Arg91Pro variant is pathogenic (PMID: 15009235, 16529633). In vitro functional studies provide some evidence that the p.Arg91Pro variant may slightly impact protein function (PMID: 34755096). However, these types of assays may not accurately represent biological function. Computational prediction tools and conservation analyses suggest that this variant may impact the protein, though this information is not predictive enough to determine pathogenicity. The p.Arg91Pro variant is located in a region of EPM2A that is essential to protein folding and stability, suggesting that this variant is in a functional domain and slightly supports pathogenicity (PMID: 34755096). The phenotype of an individual homozygous for this variant is highly specific for Lafora disease based on lafora bodies found on biopsy consistent with disease (PMID: 16529633). In summary, although additional studies are required to fully establish its clinical significance, this variant is likely pathogenic for autosomal recessive Lafora disease. ACMG/AMP Criteria applied: PP3, PM1_supporting, PM2_supporting, PM3_supporting, PS3_supporting, PP4_moderate (Richards 2015).

NM_005670.4(EPM2A):c.272G>C (p.Arg91Pro)

Genes: EPM2A (EPM2A glucan phosphatase, laforin; minus strand), EPM2A-DT (EPM2A divergent transcript; plus strand), LOC129997381 (ATAC-STARR-seq lymphoblastoid silent region 17642; plus strand). Cytogenetic location: 6q24.3.
Variant type: single nucleotide variant.
Coding change: c.272G>C on transcript NM_005670.4 (MANE Select); coding-DNA position 272, G replaced by C.
Protein change: p.Arg91Pro; replaces arginine 91 with proline.
Molecular consequence: missense variant. On other transcripts: 5 prime UTR variant (2), intron variant (2).
Genome position (GRCh38, 1-based): chr6:145,735,227, C>G on the plus strand (G>C on the coding strand, the complement: EPM2A is on the minus strand). VCF-style: chr6-145735227-C-G. GRCh37 (hg19) VCF-style: chr6-146056363-C-G.
Other names: NR_153398.2:n.116+681G>C; c.272G>C, p.Arg91Pro (NM_001018041.2, NM_001360057.2, NM_001368130.1); c.-398G>C (NM_001360071.2); c.-352G>C (NM_001368129.2); c.-114+681G>C (NM_001360064.2); c.-114+18G>C (NM_001368131.1); short protein forms R91P.
Identifiers: ClinVar variation 3776884 (VCV003776884.1).